The following is an entry in ClinVar:

NM_015272.5(RPGRIP1L):c.3857G>T (p.Gly1286Val)

Gene: RPGRIP1L (RPGRIP1 like; minus strand). Cytogenetic location: 16q12.2.
Variant type: single nucleotide variant.
Coding change: c.3857G>T on transcript NM_015272.5 (MANE Select); coding-DNA position 3857, G replaced by T.
Protein change: p.Gly1286Val; replaces glycine 1286 with valine.
Molecular consequence: missense variant.
Genome position (GRCh38, 1-based): chr16:53,602,167, C>A on the plus strand (G>T on the coding strand, the complement: RPGRIP1L is on the minus strand). VCF-style: chr16-53602167-C-A. GRCh37 (hg19) VCF-style: chr16-53636079-C-A.
Other names: c.3617G>T, p.Gly1206Val (NM_001127897.4); c.3719G>T, p.Gly1240Val (NM_001308334.3); c.3755G>T, p.Gly1252Val (NM_001330538.2); c.3857G>T (NM_015272.4); short protein forms G1206V, G1240V, G1286V, G1252V.
Identifiers: ClinVar variation 971684 (VCV000971684.10), dbSNP rs755820734, ClinGen allele CA8057133.

ClinVar aggregate classification (germline): Uncertain significance. Review status: criteria provided, multiple submitters, no conflicts (2 of 4 stars). 4 submissions from 4 submitters: Uncertain significance (2). 2 of the submissions do not count toward it. Last evaluated 2024-12-02.

Conditions:
Meckel-Gruber syndrome. Also called: DYSENCEPHALIA SPLANCHNOCYSTICA; GRUBER SYNDROME; Dysencephalia splachnocystica. Identifiers: Orphanet 564, MedGen C0265215, MONDO:0018921.
Joubert syndrome. Also called: JOUBERT-BOLTSHAUSER SYNDROME; Familial aplasia of the vermis. Identifiers: Orphanet 475, MedGen C5979921, MONDO:0018772.
RPGRIP1L-related disorder. Also called: RPGRIP1L-related disorders; RPGRIP1L-related condition. Identifiers: MedGen CN239416.

Allele frequency attached by ClinVar (database versions not stated): ExAC 0.00002; TOPMed 0.00003; gnomAD 0.00006 and 0.00007.

Submissions (4):

Labcorp Genetics (formerly Invitae), Labcorp
Classification: Uncertain significance for Joubert syndrome; Meckel-Gruber syndrome. Last evaluated: 2024-12-02. Review status: criteria provided, single submitter. Criteria: Invitae Variant Classification Sherloc (09022015). Collection method: clinical testing. Allele origin: germline.
Comment: This sequence change replaces glycine, which is neutral and non-polar, with valine, which is neutral and non-polar, at codon 1286 of the RPGRIP1L protein (p.Gly1286Val). This variant is present in population databases (rs755820734, gnomAD 0.02%). This variant has not been reported in the literature in individuals affected with RPGRIP1L-related conditions. ClinVar contains an entry for this variant (Variation ID: 971684). An algorithm developed to predict the effect of missense changes on protein structure and function (PolyPhen-2) suggests that this variant is likely to be disruptive. In summary, the available evidence is currently insufficient to determine the role of this variant in disease. Therefore, it has been classified as a Variant of Uncertain Significance.

Blueprint Genetics
Classification: Uncertain significance. Last evaluated: 2024-10-25. Review status: criteria provided, single submitter. Criteria: ACMG Guidelines, 2015. Collection method: clinical testing. Allele origin: germline.

PreventionGenetics, part of Exact Sciences
Classification: Uncertain significance for RPGRIP1L-related condition. Last evaluated: 2024-06-10. Review status: no assertion criteria provided. Collection method: clinical testing. Allele origin: germline. Not counted in ClinVar's aggregate classification.
Comment: The RPGRIP1L c.3857G>T variant is predicted to result in the amino acid substitution p.Gly1286Val. This variant has been reported in a study of myelomeningocele risk and ultra‑rare deleterious variants in genes associated with cilium, WNT‑signaling, ECM, cytoskeleton and cell migration (B:16:53636079:C:A:hg19 on Supplementary Table 3 of Au et al. 2021. PubMed ID: 33574475). This variant is reported in 0.016% of alleles in individuals of African descent in gnomAD. At this time, the clinical significance of this variant is uncertain due to the absence of conclusive functional and genetic evidence.

Natera, Inc.
Classification: Uncertain significance for Joubert syndrome. Last evaluated: 2020-09-08. Review status: no assertion criteria provided. Collection method: clinical testing. Allele origin: germline. Not counted in ClinVar's aggregate classification.